The following is an entry in ClinVar:

ClinVar aggregate classification (germline): Uncertain significance. Review status: criteria provided, single submitter (1 of 4 stars). 2 submissions from 2 submitters: Uncertain significance (1). 1 of the submissions does not count toward it. Last evaluated 2023-06-16.

Conditions:
PPP1R12A-related disorder. Also called: PPP1R12A-related condition.

Allele frequency attached by ClinVar (database versions not stated): gnomAD exomes 0.00004; ExAC 0.00007; gnomAD 0.00014; 1000 Genomes Project 30x 0.00016; ESP Exome Variant Server 0.00017; TOPMed 0.00018; 1000 Genomes Project 0.00020.
gnomAD v4.1: 86 of 1,610,742 alleles (0.0053%); highest among the groups gnomAD compares: African/African-American, 0.068%; no homozygotes.

Submissions (2):

Labcorp Genetics (formerly Invitae), Labcorp
Classification: Uncertain significance. Last evaluated: 2023-06-16. Review status: criteria provided, single submitter. Criteria: Invitae Variant Classification Sherloc (09022015). Collection method: clinical testing. Allele origin: germline.
Comment: This sequence change replaces arginine, which is basic and polar, with lysine, which is basic and polar, at codon 825 of the PPP1R12A protein (p.Arg825Lys). This variant is present in population databases (rs199938934, gnomAD 0.07%), and has an allele count higher than expected for a pathogenic variant. This variant has not been reported in the literature in individuals affected with PPP1R12A-related conditions. Algorithms developed to predict the effect of missense changes on protein structure and function output the following: SIFT: "Not Available"; PolyPhen-2: "Benign"; Align-GVGD: "Not Available". The lysine amino acid residue is found in multiple mammalian species, which suggests that this missense change does not adversely affect protein function. In summary, the available evidence is currently insufficient to determine the role of this variant in disease. Therefore, it has been classified as a Variant of Uncertain Significance.

PreventionGenetics, part of Exact Sciences
Classification: Likely benign for PPP1R12A-related condition. Last evaluated: 2022-04-11. Review status: no assertion criteria provided. Collection method: clinical testing. Allele origin: germline. Not counted in ClinVar's aggregate classification.
Comment: This variant is classified as likely benign based on ACMG/AMP sequence variant interpretation guidelines (Richards et al. 2015 PMID: 25741868, with internal and published modifications).

NM_002480.3(PPP1R12A):c.2474G>A (p.Arg825Lys)

Gene: PPP1R12A (protein phosphatase 1 regulatory subunit 12A; minus strand). Cytogenetic location: 12q21.2.
Variant type: single nucleotide variant.
Coding change: c.2474G>A on transcript NM_002480.3 (MANE Select); coding-DNA position 2474, G replaced by A.
Protein change: p.Arg825Lys; replaces arginine 825 with lysine.
Molecular consequence: missense variant.
Genome position (GRCh38, 1-based): chr12:79,795,747, C>T on the plus strand (G>A on the coding strand, the complement: PPP1R12A is on the minus strand). VCF-style: chr12-79795747-C-T. GRCh37 (hg19) VCF-style: chr12-80189527-C-T.
Other names: c.2474G>A (NM_002480.2); c.2474G>A, p.Arg825Lys (NM_001143885.2, NM_001244990.2); c.2213G>A, p.Arg738Lys (NM_001143886.2); c.2306G>A, p.Arg769Lys (NM_001244992.1); short protein forms R769K, R738K, R825K.
Identifiers: ClinVar variation 2895254 (VCV002895254.5), dbSNP rs199938934, ClinGen allele CA6699416.